The following is an entry in ClinVar:

ClinVar aggregate classification (germline): Pathogenic (1 of 4 stars; one submission).

Submission:

GeneDx
Classification: Pathogenic. Last evaluated: 2019-11-27. Review status: criteria provided, single submitter. Criteria: GeneDx Variant Classification Process June 2021. Collection method: clinical testing. Allele origin: germline. Affected: yes.
Comment: Frameshift variant predicted to result in protein truncation or nonsense mediated decay in a gene for which loss-of-function is a known mechanism of disease; Not observed in large population cohorts (Lek et al., 2016); Has not been previously published as pathogenic or benign to our knowledge

NM_001009944.3(PKD1):c.6715_6716del (p.Thr2239fs)

Gene: PKD1 (polycystin 1, transient receptor potential channel interacting; minus strand). Cytogenetic location: 16p13.3.
Variant type: Microsatellite.
Coding change: c.6715_6716del on transcript NM_001009944.3 (MANE Select); coding-DNA positions 6715 to 6716, 2 bases deleted (AC; older notation c.6715_6716delAC).
Protein change: p.Thr2239fs; shifts the reading frame from threonine 2239.
Molecular consequence: frameshift variant.
Genome position (GRCh38, 1-based): chr16:2,108,451-2,108,452, GT deleted on the plus strand (AC on the coding strand, the reverse complement: PKD1 is on the minus strand); deleting any 2 consecutive bases within chr16:2,108,451-2,108,454 gives the same sequence; the c. name uses the placement nearest the transcript's 3' end. VCF-style (leftmost placement, unchanged base first): chr16-2108450-CGT-C. GRCh37 (hg19) VCF-style: chr16-2158451-CGT-C.
Other names: c.6715_6716del, p.Thr2239fs (NM_000296.4); short protein forms T2239fs.
Identifiers: ClinVar variation 1194442 (VCV001194442.2), dbSNP rs2151786492, ClinGen allele CA2580613377.